The following is an entry in ClinVar:

ClinVar aggregate classification (germline): Uncertain significance (1 of 4 stars; one submission).

Submission:

Labcorp Genetics (formerly Invitae), Labcorp
Classification: Uncertain significance. Last evaluated: 2021-12-02. Review status: criteria provided, single submitter. Criteria: Invitae Variant Classification Sherloc (09022015). Collection method: clinical testing. Allele origin: germline.
Comment: Algorithms developed to predict the effect of missense changes on protein structure and function (SIFT, PolyPhen-2, Align-GVGD) all suggest that this variant is likely to be disruptive. This variant has not been reported in the literature in individuals affected with TBX20-related conditions. This variant is not present in population databases (gnomAD no frequency). This sequence change replaces isoleucine, which is neutral and non-polar, with threonine, which is neutral and polar, at codon 277 of the TBX20 protein (p.Ile277Thr). In summary, the available evidence is currently insufficient to determine the role of this variant in disease. Therefore, it has been classified as a Variant of Uncertain Significance.

NM_001077653.2(TBX20):c.830T>C (p.Ile277Thr)

Gene: TBX20 (T-box transcription factor 20; minus strand). Cytogenetic location: 7p14.2.
Variant type: single nucleotide variant.
Coding change: c.830T>C on transcript NM_001077653.2 (MANE Select); coding-DNA position 830, T replaced by C.
Protein change: p.Ile277Thr; replaces isoleucine 277 with threonine.
Molecular consequence: missense variant.
Genome position (GRCh38, 1-based): chr7:35,231,564, A>G on the plus strand (T>C on the coding strand, the complement: TBX20 is on the minus strand). VCF-style: chr7-35231564-A-G. GRCh37 (hg19) VCF-style: chr7-35271176-A-G.
Other names: c.830T>C, p.Ile277Thr (NM_001166220.1); short protein forms I277T.
Identifiers: ClinVar variation 1383857 (VCV001383857.6), dbSNP rs2128713465, ClinGen allele CA367263827.
Genomic context (GRCh38, chr7:35,231,564, plus strand): 5'-CTCTCAATGTCAGTGAGCCTGGAGGAATCCCGGAATCCTTTGGCAAAAGGATTGCTATCT[A>G]TTTTCAGCTTCGTTATCTGGAGAAAGAATGGGTACAAAACAGTATCATTTATGAGGTCAA-3'
Protein context (NP_001071121.1, residues 267-287): YQNQLITKLK[Ile277Thr]DSNPFAKGFR